The following is an entry in ClinVar:

NM_014363.6(SACS):c.11693A>G (p.Asp3898Gly)

Gene: SACS (sacsin molecular chaperone; minus strand). Cytogenetic location: 13q12.12.
Variant type: single nucleotide variant.
Coding change: c.11693A>G on transcript NM_014363.6 (MANE Select); coding-DNA position 11693, A replaced by G.
Protein change: p.Asp3898Gly; replaces aspartic acid 3898 with glycine.
Molecular consequence: missense variant.
Genome position (GRCh38, 1-based): chr13:23,332,183, T>C on the plus strand (A>G on the coding strand, the complement: SACS is on the minus strand). VCF-style: chr13-23332183-T-C. GRCh37 (hg19) VCF-style: chr13-23906322-T-C.
Other names: c.11252A>G, p.Asp3751Gly (NM_001278055.2); short protein forms D3751G, D3898G.
Identifiers: ClinVar variation 1948244 (VCV001948244.7), dbSNP rs750962725, ClinGen allele CA6910239.

ClinVar aggregate classification (germline): Uncertain significance. Review status: criteria provided, multiple submitters, no conflicts (2 of 4 stars). 2 submissions from 2 submitters: Uncertain significance (2). Last evaluated 2026-02-01.

Conditions:
Spastic paraplegia. Identifiers: MedGen C0037772, HP:0001258.
Charlevoix-Saguenay spastic ataxia (SACS). Also called: AUTOSOMAL RECESSIVE SPASTIC ATAXIA OF CHARLEVOIX-SAGUENAY; Spastic ataxia of Charlevoix-Saguenay; SPASTIC ATAXIA 6, AUTOSOMAL RECESSIVE. Identifiers: Orphanet 98, MedGen C1849140, MONDO:0010041, OMIM 270550.

Allele frequency attached by ClinVar (database versions not stated): gnomAD exomes below 0.00001; ExAC 0.00001.
gnomAD v4.1: 1 of 1,614,058 alleles (0.000062%); highest among the groups gnomAD compares: Non-Finnish European, 0.000085%; no homozygotes.

Submissions (2):

Dasa
Classification: Uncertain significance for Charlevoix-Saguenay spastic ataxia. Last evaluated: 2026-02-01. Review status: criteria provided, single submitter. Criteria: DASA Assertion Criteria. Collection method: clinical testing. Allele origin: germline.
Comment: NM_014363.6(SACS):c.11693A>G (p.Asp3898Gly) is a missense variant that results in the substitution of aspartic acid with glycine. This variant is rare in population databases. The currently available literature and clinical evidence are not sufficient to establish a definitive association between this variant and the reported condition. Therefore, this variant is classified as a variant of uncertain significance.

Labcorp Genetics (formerly Invitae), Labcorp
Classification: Uncertain significance for Spastic paraplegia. Last evaluated: 2022-03-14. Review status: criteria provided, single submitter. Criteria: Invitae Variant Classification Sherloc (09022015). Collection method: clinical testing. Allele origin: germline.
Comment: In summary, the available evidence is currently insufficient to determine the role of this variant in disease. Therefore, it has been classified as a Variant of Uncertain Significance. Advanced modeling of protein sequence and biophysical properties (such as structural, functional, and spatial information, amino acid conservation, physicochemical variation, residue mobility, and thermodynamic stability) performed at Invitae indicates that this missense variant is not expected to disrupt SACS protein function. This variant has not been reported in the literature in individuals affected with SACS-related conditions. This variant is present in population databases (rs750962725, gnomAD 0.0009%). This sequence change replaces aspartic acid, which is acidic and polar, with glycine, which is neutral and non-polar, at codon 3898 of the SACS protein (p.Asp3898Gly).